The following is an entry in ClinVar:

ClinVar aggregate classification (germline): Benign/Likely benign. Review status: criteria provided, multiple submitters, no conflicts (2 of 4 stars). 2 submissions from 2 submitters: Benign (1); Likely benign (1). Last evaluated 2025-02-12.

Conditions:
Congenital contractural arachnodactyly (CCA). Also called: Beals-Hecht syndrome; BEALS SYNDROME; Arthrogryposis, distal, type 9. Identifiers: Orphanet 115, MedGen C0220668, MONDO:0007363, OMIM 121050.

Allele frequency attached by ClinVar (database versions not stated): gnomAD exomes 0.00004 and 0.00002; gnomAD 0.00003 and 0.00004; TOPMed 0.00003.
gnomAD v4.1: 60 of 1,613,498 alleles (0.0037%); highest among the groups gnomAD compares: Non-Finnish European, 0.0048%; no homozygotes.

Submissions (2):

Labcorp Genetics (formerly Invitae), Labcorp
Classification: Likely benign for Congenital contractural arachnodactyly. Last evaluated: 2025-02-12. Review status: criteria provided, single submitter. Criteria: Invitae Variant Classification Sherloc (09022015). Collection method: clinical testing. Allele origin: germline.

GeneDx
Classification: Benign. Last evaluated: 2014-12-24. Review status: criteria provided, single submitter. Criteria: GeneDx Variant Classification (06012015). Collection method: clinical testing. Allele origin: germline. Affected: yes.
Comment: This variant is considered likely benign or benign based on one or more of the following criteria: it is a conservative change, it occurs at a poorly conserved position in the protein, it is predicted to be benign by multiple in silico algorithms, and/or has population frequency not consistent with disease.

NM_001999.4(FBN2):c.5200+11A>C

Gene: FBN2 (fibrillin 2; minus strand). Cytogenetic location: 5q23.3.
Variant type: single nucleotide variant.
Coding change: c.5200+11A>C on transcript NM_001999.4 (MANE Select); 11 bases into the intron after coding-DNA position 5200, A replaced by C.
Molecular consequence: intron variant.
Genome position (GRCh38, 1-based): chr5:128,309,972, T>G on the plus strand (A>C on the coding strand, the complement: FBN2 is on the minus strand). VCF-style: chr5-128309972-T-G. GRCh37 (hg19) VCF-style: chr5-127645664-T-G.
Identifiers: ClinVar variation 213236 (VCV000213236.9), dbSNP rs863223545, ClinGen allele CA319818.